The following is an entry in ClinVar:

ClinVar aggregate classification (germline): Likely benign (1 of 4 stars; one submission).

Conditions:
Malignant hyperthermia, susceptibility to, 1 (MHS1). Also called: RYR1-Related Malignant Hyperthermia Susceptibility; Anesthesia related hyperthermia; Malignant hyperpyrexia; Fulminating hyperpyrexia; Pharmacogenic myopathy; Malignant hyperthermia suceptibility 1. Identifiers: Orphanet 423, MedGen C2930980, MONDO:0007783, OMIM 145600.

gnomAD v4.1: 3 of 1,613,960 alleles (0.00019%); highest among the groups gnomAD compares: South Asian, 0.0011%; no homozygotes.

Submission:

All of Us Research Program, National Institutes of Health
Classification: Likely benign for Malignant hyperthermia, susceptibility to, 1. Last evaluated: 2023-03-23. Review status: criteria provided, single submitter. Criteria: ACMG Guidelines, 2015. Collection method: clinical testing. Allele origin: germline. Inheritance: Autosomal dominant inheritance. Observed: 1 variant allele, 1 heterozygote.
Comment: This study involves interpretation of variants in research participants for the purpose of population health screening. Participant phenotype was not available at the time of variant classification. Additional details can be found in publication PMID: 35346344, PMCID: PMC8962531

NM_000540.3(RYR1):c.5823C>T (p.His1941=)

Gene: RYR1 (ryanodine receptor 1; plus strand). Cytogenetic location: 19q13.2.
Variant type: single nucleotide variant.
Coding change: c.5823C>T on transcript NM_000540.3 (MANE Select); coding-DNA position 5823, C replaced by T.
Protein change: p.His1941=; no amino-acid change (histidine 1941 retained).
Molecular consequence: synonymous variant.
Genome position (GRCh38, 1-based): chr19:38,490,084, C>T. VCF-style: chr19-38490084-C-T. GRCh37 (hg19) VCF-style: chr19-38980724-C-T.
Other names: c.5823C>T, p.His1941= (NM_001042723.2).
Identifiers: ClinVar variation 3069899 (VCV003069899.1), dbSNP rs897579944, ClinGen allele CA507239177.